The following is an entry in ClinVar:

ClinVar aggregate classification (germline): Conflicting classifications of pathogenicity. Review status: criteria provided, conflicting classifications (1 of 4 stars). 2 submissions from 2 submitters: Likely pathogenic (1); Uncertain significance (1). Last evaluated 2025-07-31.

Conditions:
Niemann-Pick disease, type B. Also called: Chronic Visceral ASMD (Niemann-Pick Disease Type B; NPD-B). Identifiers: Orphanet 77293, MedGen C0268243, MONDO:0011871, OMIM 607616. Disease mechanism: loss of function.
Niemann-Pick disease, type A. Also called: SPHINGOMYELIN LIPIDOSIS; SPHINGOMYELINASE DEFICIENCY; Infantile Neurovisceral ASMD (Niemann-Pick Disease Type A; NPD-A). Identifiers: Orphanet 77292, MedGen C0268242, MONDO:0009756, OMIM 257200. Disease mechanism: loss of function.

Allele frequency attached by ClinVar (database versions not stated): TOPMed below 0.00001.

Submissions (2):

Women's Health and Genetics/Laboratory Corporation of America, LabCorp
Classification: Uncertain significance. Last evaluated: 2025-07-31. Review status: criteria provided, single submitter. Criteria: LabCorp Variant Classification Summary - May 2015. Collection method: clinical testing. Allele origin: germline.
Comment: Variant summary: SMPD1 c.1395T>G (p.Phe465Leu) results in a non-conservative amino acid change located in the Acid sphingomyelinase/endopolyphosphatase, metallophosphatase domain (IPR041805) of the encoded protein sequence. Algorithms developed to predict the effect of missense changes on protein structure and function are either unavailable or do not agree on the potential impact of this missense change. The variant was absent in 251494 control chromosomes (gnomAD). The missense variant, p.Phe465Leu (reported as F463L), has been observed in at least one individual affected with Niemann-Pick Disease (Wasserstein_2006). A different variant affecting the same codon has been classified as likely pathogenic by our lab (c.1394T>C, p.Phe465Ser), supporting the critical relevance of codon 465 to SMPD1 protein function. To our knowledge, no experimental evidence demonstrating an impact on protein function has been reported. The following publication have been ascertained in the context of this evaluation (PMID: 17011332). ClinVar contains an entry for this variant (Variation ID: 1493413). Based on the evidence outlined above, the variant was classified as VUS-possibly pathogenic.

Labcorp Genetics (formerly Invitae), Labcorp
Classification: Likely pathogenic for Niemann-Pick disease, type B; Niemann-Pick disease, type A. Last evaluated: 2021-03-25. Review status: criteria provided, single submitter. Criteria: Invitae Variant Classification Sherloc (09022015). Collection method: clinical testing. Allele origin: germline.
Comment: In summary, the currently available evidence indicates that the variant is pathogenic, but additional data are needed to prove that conclusively. Therefore, this variant has been classified as Likely Pathogenic. This variant disrupts the p.Phe465 amino acid residue in SMPD1. Other variant(s) that disrupt this residue have been determined to be pathogenic (PMID: 12556236, 22818240, 27338287). This suggests that this residue is clinically significant, and that variants that disrupt this residue are likely to be disease-causing. Advanced modeling of protein sequence and biophysical properties (such as structural, functional, and spatial information, amino acid conservation, physicochemical variation, residue mobility, and thermodynamic stability) performed at Invitae indicates that this missense variant is expected to disrupt SMPD1 protein function. This variant has not been reported in the literature in individuals with SMPD1-related conditions. This variant is not present in population databases (ExAC no frequency). This sequence change replaces phenylalanine with leucine at codon 465 of the SMPD1 protein (p.Phe465Leu). The phenylalanine residue is highly conserved and there is a small physicochemical difference between phenylalanine and leucine.

Literature cited by the submitters: PubMed 17011332 (cited by Women's Health and Genetics/Laboratory Corporation of America, LabCorp); PubMed 12556236 (cited by Labcorp Genetics (formerly Invitae), Labcorp); PubMed 22818240 (cited by Labcorp Genetics (formerly Invitae), Labcorp); PubMed 27338287 (cited by Labcorp Genetics (formerly Invitae), Labcorp).

NM_000543.5(SMPD1):c.1395T>G (p.Phe465Leu)

Gene: SMPD1 (sphingomyelin phosphodiesterase 1; plus strand). Cytogenetic location: 11p15.4.
Variant type: single nucleotide variant.
Coding change: c.1395T>G on transcript NM_000543.5 (MANE Select); coding-DNA position 1395, T replaced by G.
Protein change: p.Phe465Leu; replaces phenylalanine 465 with leucine.
Molecular consequence: missense variant. On other transcripts: non-coding transcript variant (2).
Genome position (GRCh38, 1-based): chr11:6,393,950, T>G. VCF-style: chr11-6393950-T-G. GRCh37 (hg19) VCF-style: chr11-6415180-T-G.
Other names: c.1392T>G, p.Phe464Leu (NM_001007593.3); c.1395T>G, p.Phe465Leu (NM_001318087.2); c.474T>G, p.Phe158Leu (NM_001318088.2); c.1263T>G, p.Phe421Leu (NM_001365135.2); short protein forms F158L, F464L, F421L, F465L.
Identifiers: ClinVar variation 1493413 (VCV001493413.10), dbSNP rs1848061944, ClinGen allele CA379375035.